The following is an entry in ClinVar:

ClinVar aggregate classification (germline): Uncertain significance. Review status: criteria provided, multiple submitters, no conflicts (2 of 4 stars). 2 submissions from 2 submitters: Uncertain significance (2). Last evaluated 2025-04-11.

Conditions:
Intellectual developmental disorder, autosomal dominant 1. Also called: Intellectual disability, autosomal dominant 1; MBD5 Haploinsufficiency. Identifiers: Orphanet 228402, MedGen C1969562, MONDO:0007974, OMIM 156200.

Allele frequency attached by ClinVar (database versions not stated): TOPMed below 0.00001; gnomAD exomes below 0.00001.
gnomAD v4.1: 1 of 1,613,842 alleles (0.000062%); highest among the groups gnomAD compares: African/African-American, 0.0013%; no homozygotes.

Submissions (2):

Labcorp Genetics (formerly Invitae), Labcorp
Classification: Uncertain significance for Intellectual developmental disorder, autosomal dominant 1. Last evaluated: 2025-04-11. Review status: criteria provided, single submitter. Criteria: Invitae Variant Classification Sherloc (09022015). Collection method: clinical testing. Allele origin: germline.
Comment: This sequence change replaces glutamine, which is neutral and polar, with lysine, which is basic and polar, at codon 962 of the MBD5 protein (p.Gln962Lys). This variant is present in population databases (no rsID available, gnomAD 0.007%). This variant has not been reported in the literature in individuals affected with MBD5-related conditions. ClinVar contains an entry for this variant (Variation ID: 576893). Invitae Evidence Modeling of protein sequence and biophysical properties (such as structural, functional, and spatial information, amino acid conservation, physicochemical variation, residue mobility, and thermodynamic stability) indicates that this missense variant is not expected to disrupt MBD5 protein function with a negative predictive value of 80%. In summary, the available evidence is currently insufficient to determine the role of this variant in disease. Therefore, it has been classified as a Variant of Uncertain Significance.

GeneDx
Classification: Uncertain significance. Last evaluated: 2019-06-11. Review status: criteria provided, single submitter. Criteria: GeneDx Variant Classification Process June 2021. Collection method: clinical testing. Allele origin: germline. Affected: yes.
Comment: In silico analysis, which includes protein predictors and evolutionary conservation, supports that this variant does not alter protein structure/function; Has not been previously published as pathogenic or benign to our knowledge

NM_001378120.1(MBD5):c.3583C>A (p.Gln1195Lys)

Gene: MBD5 (methyl-CpG binding domain protein 5; plus strand). Cytogenetic location: 2q23.1.
Variant type: single nucleotide variant.
Coding change: c.3583C>A on transcript NM_001378120.1 (MANE Select); coding-DNA position 3583, C replaced by A.
Protein change: p.Gln1195Lys; replaces glutamine 1195 with lysine.
Molecular consequence: missense variant.
Genome position (GRCh38, 1-based): chr2:148,485,780, C>A. VCF-style: chr2-148485780-C-A. GRCh37 (hg19) VCF-style: chr2-149243349-C-A.
Other names: c.2884C>A, p.Gln962Lys (NM_018328.5); short protein forms Q962K, Q1195K.
Identifiers: ClinVar variation 576893 (VCV000576893.11), dbSNP rs1200329763, ClinGen allele CA348724417.
Genomic context (GRCh38, chr2:148,485,780, plus strand): 5'-TTTTATGTTTTTCAAACTGTAGGTGATATGTCATCAATAAACAATACTTTGAGTAACCAT[C>A]AACTGACTCATCTACAGTCGCTGTTAAACAACAATCAGATGTTTCCTCCAAATCAGCAAC-3'
Protein context (NP_001365049.1, residues 1185-1205): SSINNTLSNH[Gln1195Lys]LTHLQSLLNN